The following is an entry in ClinVar:

ClinVar aggregate classification (germline): Likely pathogenic (1 of 4 stars; one submission).

Conditions:
Leber congenital amaurosis (LCA). Also called: Leber's amaurosis. Identifiers: Orphanet 65, MedGen C0339527, MeSH D057130, MONDO:0018998.

Submission:

Natera, Inc.
Classification: Likely pathogenic for Leber congenital amaurosis. Last evaluated: 2025-08-04. Review status: criteria provided, single submitter. Criteria: Natera Variant Classification Schema (03/2026). Collection method: clinical testing. Allele origin: germline.
Comment: The c.592G>T variant in CRB1 is a nonsense variant predicted to introduce a stop codon at amino acid 198. This variant is expected to result in nonsense mediated decay, truncation, or a dysfunctional protein product. This variant is rare in the general population with a frequency below the threshold expected for the associated phenotype(s). Given the available evidence, this variant is classified as Likely Pathogenic.

NM_201253.3(CRB1):c.592G>T (p.Glu198Ter)

Gene: CRB1 (crumbs cell polarity complex component 1; plus strand). Cytogenetic location: 1q31.3.
Variant type: single nucleotide variant.
Coding change: c.592G>T on transcript NM_201253.3 (MANE Select); coding-DNA position 592, G replaced by T.
Protein change: p.Glu198Ter; replaces glutamic acid 198 with a stop codon.
Molecular consequence: nonsense. On other transcripts: non-coding transcript variant (2).
Genome position (GRCh38, 1-based): chr1:197,328,943, G>T. VCF-style: chr1-197328943-G-T. GRCh37 (hg19) VCF-style: chr1-197298073-G-T.
Other names: c.592G>T, p.Glu198Ter (NM_001193640.2, NM_001257966.2); c.385G>T, p.Glu129Ter (NM_001257965.2); short protein forms E129*, E198*.
Identifiers: ClinVar variation 4817063 (VCV004817063.1).
Genomic context (GRCh38, chr1:197,328,943, plus strand): 5'-TATCAAGGCAGACACTGCGACTTGGAAGTGGATGAATGTGCTTCAGATCCCTGCAAGAAC[G>T]AGGCTACATGCCTCAATGAAATAGGAAGATATACTTGTATCTGTCCCCACAATTATTCTG-3'